The following is an entry in ClinVar:

NC_000006.11:g.(?_83881756)_(84086643_?)del

Genes: ME1 (malic enzyme 1; minus strand), PGM3 (phosphoglucomutase 3; minus strand), RWDD2A (RWD domain containing 2A; plus strand). Cytogenetic location: 6q14.1-14.2.
Variant type: Deletion.
Identifiers: ClinVar variation 3246041 (VCV003246041.1).

ClinVar aggregate classification (germline): Pathogenic (1 of 4 stars; one submission).

Conditions:
Immunodeficiency 23 (IMD23). Also called: IMMUNODEFICIENCY WITH HYPER IgE AND COGNITIVE IMPAIRMENT; IMMUNODEFICIENCY-VASCULITIS-MYOCLONUS SYNDROME. Identifiers: Orphanet 443811, MedGen C4014371, MONDO:0014353, OMIM 615816.

Submission:

Labcorp Genetics (formerly Invitae), Labcorp
Classification: Pathogenic for Immunodeficiency 23. Last evaluated: 2023-11-20. Review status: criteria provided, single submitter. Criteria: Invitae Variant Classification Sherloc (09022015). Collection method: clinical testing. Allele origin: unknown.
Comment: This variant results in the deletion of exons 2-11 and part of exon 12 (c.-183157_1349del) of the PGM3 gene. This deletion extends beyond the assayed region for this gene and therefore may encompass additional genes. It is expected to result in an absent or disrupted protein product. Loss-of-function variants in PGM3 are known to be pathogenic (PMID: 17548465, 24589341, 24931394). This variant has not been reported in the literature in individuals affected with PGM3-related conditions. For these reasons, this variant has been classified as Pathogenic.

Literature cited by the submitters: PubMed 17548465; PubMed 24589341; PubMed 24931394.